The following is an entry in ClinVar:

NM_004606.5(TAF1):c.2182dup (p.Thr728fs)

Gene: TAF1 (TATA-box binding protein associated factor 1; plus strand). Cytogenetic location: Xq13.1.
Variant type: Duplication.
Coding change: c.2182dup on transcript NM_004606.5 (MANE Select); coding-DNA position 2182, one base duplicated (A; older notation c.2182dupA).
Protein change: p.Thr728fs; shifts the reading frame from threonine 728.
Molecular consequence: frameshift variant. On other transcripts: non-coding transcript variant (9).
Genome position (GRCh38, 1-based): chrX:71,385,005, A duplicated. VCF-style (leftmost placement, unchanged base first): chrX-71385004-T-TA. GRCh37 (hg19) VCF-style: chrX-70604854-T-TA.
Other names: c.2182dup, p.Thr728fs (NM_001286074.2); c.2119dup, p.Thr707fs (NM_138923.4); short protein forms T707fs, T728fs.
Identifiers: ClinVar variation 2229151 (VCV002229151.2), dbSNP rs2520253559, ClinGen allele CA2580101519.

ClinVar aggregate classification (germline): Likely pathogenic (1 of 4 stars; one submission).

Conditions:
Inborn genetic diseases. Identifiers: MedGen C0950123, MeSH D030342.

Submission:

Ambry Genetics
Classification: Likely pathogenic for Inborn genetic diseases. Last evaluated: 2021-02-10. Review status: criteria provided, single submitter. Criteria: Ambry Variant Classification Scheme 2023. Collection method: clinical testing. Allele origin: germline.
Comment: The c.2242dupA (p.T748Nfs*18) alteration, located in exon 14 (coding exon 14) of the TAF1 gene, consists of a duplication of A at position 2242, causing a translational frameshift with a predicted alternate stop codon after 18 amino acids. This alteration is expected to result in loss of function by premature protein truncation or nonsense-mediated mRNA decay. Based on data from the Genome Aggregation Database (gnomAD), the TAF1 c.2242dupA alteration was not observed, with coverage at this position. Based on the available evidence, this alteration is classified as likely pathogenic.